The following is an entry in ClinVar:

NM_001358530.2(MOCS1):c.1446_1449dup (p.His484fs)

Gene: MOCS1 (molybdenum cofactor synthesis 1; minus strand). Cytogenetic location: 6p21.2.
Variant type: Microsatellite.
Coding change: c.1446_1449dup on transcript NM_001358530.2 (MANE Select); coding-DNA positions 1446 to 1449, 4 bases duplicated (AACT; older notation c.1446_1449dupAACT).
Protein change: p.His484fs; shifts the reading frame from histidine 484.
Molecular consequence: frameshift variant. On other transcripts: 3 prime UTR variant (4), non-coding transcript variant (1).
Genome position (GRCh38, 1-based): chr6:39,906,819-39,906,822, AGTT duplicated on the plus strand (AACT on the coding strand, the reverse complement: MOCS1 is on the minus strand); duplicating any 4 consecutive bases within chr6:39,906,819-39,906,826 gives the same sequence; the c. name uses the placement nearest the transcript's 3' end. VCF-style (leftmost placement, unchanged base first): chr6-39906818-G-GAGTT. GRCh37 (hg19) VCF-style: chr6-39874594-G-GAGTT.
Other names: c.*299AACT[3] (NM_001075098.4, NM_001358533.2, NM_001358534.2 and 1 more transcripts); c.1398_1401dup, p.His468fs (NM_001358529.2); c.1185_1188dup, p.His397fs (NM_001358531.2); short protein forms H468fs, H397fs, H484fs.
Identifiers: ClinVar variation 2110087 (VCV002110087.4), dbSNP rs760011180, ClinGen allele CA3795946.

ClinVar aggregate classification (germline): Pathogenic (1 of 4 stars; one submission).

Conditions:
Sulfite oxidase deficiency due to molybdenum cofactor deficiency type A. Also called: Molybdenum Cofactor Deficiency A; Molybdenum cofactor deficiency, complementation group A. Identifiers: Orphanet 308386, Orphanet 833, MedGen C1854988, MONDO:0009643, OMIM 252150.

Submission:

Labcorp Genetics (formerly Invitae), Labcorp
Classification: Pathogenic for Sulfite oxidase deficiency due to molybdenum cofactor deficiency type A. Last evaluated: 2025-11-10. Review status: criteria provided, single submitter. Criteria: Invitae Variant Classification Sherloc (09022015). Collection method: clinical testing. Allele origin: germline.
Comment: This sequence change creates a premature translational stop signal (p.His484Asnfs*124) in the MOCS1 gene. While this is not anticipated to result in nonsense mediated decay, it is expected to disrupt the last 153 amino acid(s) of the MOCS1 protein. This variant is present in population databases (rs760011180, gnomAD 0.003%). This variant has not been reported in the literature in individuals affected with MOCS1-related conditions. ClinVar contains an entry for this variant (Variation ID: 2110087). This variant disrupts a region of the MOCS1 protein in which other variant(s) (p.Glu503Alafs*103) have been determined to be pathogenic (PMID: 9731530, 9921896). This suggests that this is a clinically significant region of the protein, and that variants that disrupt it are likely to be disease-causing. For these reasons, this variant has been classified as Pathogenic.

Literature cited by the submitters: PubMed 9731530; PubMed 9921896.